The following is an entry in ClinVar:

ClinVar aggregate classification (germline): Conflicting classifications of pathogenicity. Review status: criteria provided, conflicting classifications (1 of 4 stars). 2 submissions from 2 submitters: Uncertain significance (1); Likely benign (1). Last evaluated 2025-07-06.

Allele frequency attached by ClinVar (database versions not stated): ExAC 0.00002; gnomAD 0.00003; TOPMed 0.00003; gnomAD exomes 0.00011.
gnomAD v4.1: 161 of 1,613,922 alleles (0.01%); highest among the groups gnomAD compares: Non-Finnish European, 0.013%; no homozygotes.

Submissions (2):

Labcorp Genetics (formerly Invitae), Labcorp
Classification: Uncertain significance. Last evaluated: 2025-07-06. Review status: criteria provided, single submitter. Criteria: Invitae Variant Classification Sherloc (09022015). Collection method: clinical testing. Allele origin: germline.
Comment: This sequence change replaces arginine, which is basic and polar, with glutamine, which is neutral and polar, at codon 3635 of the HMCN1 protein (p.Arg3635Gln). This variant is present in population databases (rs777872545, gnomAD 0.003%). This variant has not been reported in the literature in individuals affected with HMCN1-related conditions. ClinVar contains an entry for this variant (Variation ID: 2077670). An algorithm developed to predict the effect of missense changes on protein structure and function outputs the following: PolyPhen-2: "Benign". The glutamine amino acid residue is found in multiple mammalian species, which suggests that this missense change does not adversely affect protein function. In summary, the available evidence is currently insufficient to determine the role of this variant in disease. Therefore, it has been classified as a Variant of Uncertain Significance.

Ambry Genetics
Classification: Likely benign. Last evaluated: 2022-12-28. Review status: criteria provided, single submitter. Criteria: Ambry Variant Classification Scheme 2023. Collection method: clinical testing. Allele origin: germline.

NM_031935.3(HMCN1):c.10904G>A (p.Arg3635Gln)

Gene: HMCN1 (hemicentin 1; plus strand). Cytogenetic location: 1q31.1.
Variant type: single nucleotide variant.
Coding change: c.10904G>A on transcript NM_031935.3 (MANE Select); coding-DNA position 10904, G replaced by A.
Protein change: p.Arg3635Gln; replaces arginine 3635 with glutamine.
Molecular consequence: missense variant.
Genome position (GRCh38, 1-based): chr1:186,108,512, G>A. VCF-style: chr1-186108512-G-A. GRCh37 (hg19) VCF-style: chr1-186077644-G-A.
Other names: short protein forms R3635Q.
Identifiers: ClinVar variation 2077670 (VCV002077670.5), dbSNP rs777872545, ClinGen allele CA1293855.